The following is an entry in ClinVar:

NC_000022.10:g.(?_34022208)_(34022330_?)del

Gene: LARGE1 (LARGE xylosyl- and glucuronyltransferase 1; minus strand). Cytogenetic location: 22q12.3.
Variant type: Deletion.
Identifiers: ClinVar variation 2425215 (VCV002425215.6).

ClinVar aggregate classification (germline): Pathogenic (1 of 4 stars; one submission).

Conditions:
Muscular dystrophy-dystroglycanopathy type B6 (MDDGB6). Also called: MUSCULAR DYSTROPHY-DYSTROGLYCANOPATHY (CONGENITAL WITH IMPAIRED INTELLECTUAL DEVELOPMENT), TYPE B, 6; MUSCULAR DYSTROPHY, CONGENITAL, LARGE-RELATED; MUSCULAR DYSTROPHY, CONGENITAL, TYPE 1D. Identifiers: MedGen C1837229, MONDO:0012138, OMIM 608840.

Submission:

Labcorp Genetics (formerly Invitae), Labcorp
Classification: Pathogenic for Muscular dystrophy-dystroglycanopathy type B6. Last evaluated: 2022-09-06. Review status: criteria provided, single submitter. Criteria: Invitae Variant Classification Sherloc (09022015). Collection method: clinical testing. Allele origin: germline.
Comment: For these reasons, this variant has been classified as Pathogenic. This variant has not been reported in the literature in individuals affected with LARGE1-related conditions. This variant is a gross deletion of the genomic region encompassing exon(s) 5 of the LARGE1 gene. This deletion is out-of-frame, and is expected to create a premature termination codon and result in an absent or disrupted protein product. Loss-of-function variants in LARGE1 are known to be pathogenic (PMID: 12966029, 17878207).

Literature cited by the submitters: PubMed 12966029; PubMed 17878207.